The following is an entry in ClinVar:

NM_000051.4(ATM):c.6096-2A>C

Genes: ATM (ATM serine/threonine kinase; plus strand), C11orf65 (chromosome 11 open reading frame 65; minus strand). Cytogenetic location: 11q22.3.
Variant type: single nucleotide variant.
Coding change: c.6096-2A>C on transcript NM_000051.4 (MANE Select); the canonical splice acceptor site of the intron before coding-DNA position 6096, A replaced by C.
Molecular consequence: splice acceptor variant. On other transcripts: intron variant (2).
Genome position (GRCh38, 1-based): chr11:108,316,009, A>C. VCF-style: chr11-108316009-A-C. GRCh37 (hg19) VCF-style: chr11-108186736-A-C.
Other names: c.6096-2A>C (NM_001351834.2); c.641-6938T>G (NM_001330368.2); c.*39-6938T>G (NM_001351110.2).
Identifiers: ClinVar variation 2119238 (VCV002119238.4), dbSNP rs1057520704, ClinGen allele CA382550279.

ClinVar aggregate classification (germline): Likely pathogenic (1 of 4 stars; one submission).

Conditions:
Ataxia-telangiectasia syndrome (AT). Also called: ATAXIA-TELANGIECTASIA, COMPLEMENTATION GROUP A; ATAXIA-TELANGIECTASIA, FRESNO VARIANT; Ataxia-telangiectasia; Ataxia-telangiectasia, complementation group E; LOUIS-BAR SYNDROME; Cerebello-oculocutaneous telangiectasia. Identifiers: Orphanet 100, MedGen C0004135, MONDO:0008840, OMIM 208900.

Submission:

Labcorp Genetics (formerly Invitae), Labcorp
Classification: Likely pathogenic for Ataxia-telangiectasia syndrome. Last evaluated: 2023-09-10. Review status: criteria provided, single submitter. Criteria: Invitae Variant Classification Sherloc (09022015). Collection method: clinical testing. Allele origin: germline.
Comment: In summary, the currently available evidence indicates that the variant is pathogenic, but additional data are needed to prove that conclusively. Therefore, this variant has been classified as Likely Pathogenic. Algorithms developed to predict the effect of sequence changes on RNA splicing suggest that this variant may disrupt the consensus splice site. ClinVar contains an entry for this variant (Variation ID: 2119238). This variant has not been reported in the literature in individuals affected with ATM-related conditions. This variant is not present in population databases (gnomAD no frequency). This sequence change affects an acceptor splice site in intron 41 of the ATM gene. It is expected to disrupt RNA splicing. Variants that disrupt the donor or acceptor splice site typically lead to a loss of protein function (PMID: 16199547), and loss-of-function variants in ATM are known to be pathogenic (PMID: 23807571, 25614872).

Literature cited by the submitters: PubMed 16199547; PubMed 23807571; PubMed 25614872.